The following is an entry in ClinVar:

ClinVar aggregate classification (germline): Uncertain significance (1 of 4 stars; one submission).

Submission:

Labcorp Genetics (formerly Invitae), Labcorp
Classification: Uncertain significance. Last evaluated: 2022-07-12. Review status: criteria provided, single submitter. Criteria: Invitae Variant Classification Sherloc (09022015). Collection method: clinical testing. Allele origin: germline.
Comment: This variant has not been reported in the literature in individuals affected with CEP250-related conditions. In summary, the available evidence is currently insufficient to determine the role of this variant in disease. Therefore, it has been classified as a Variant of Uncertain Significance. Algorithms developed to predict the effect of missense changes on protein structure and function are either unavailable or do not agree on the potential impact of this missense change (SIFT: "Not Available"; PolyPhen-2: "Probably Damaging"; Align-GVGD: "Not Available"). ClinVar contains an entry for this variant (Variation ID: 1479266). This variant is not present in population databases (gnomAD no frequency). This sequence change replaces leucine with arginine at codon 2363 of the CEP250 protein (p.Leu2363Arg). The leucine residue is highly conserved and there is a moderate physicochemical difference between leucine and arginine.

NM_007186.6(CEP250):c.7088T>G (p.Leu2363Arg)

Gene: CEP250 (centrosomal protein 250; plus strand). Cytogenetic location: 20q11.22.
Variant type: single nucleotide variant.
Coding change: c.7088T>G on transcript NM_007186.6 (MANE Select); coding-DNA position 7088, T replaced by G.
Protein change: p.Leu2363Arg; replaces leucine 2363 with arginine.
Molecular consequence: missense variant.
Genome position (GRCh38, 1-based): chr20:35,511,385, T>G. VCF-style: chr20-35511385-T-G. GRCh37 (hg19) VCF-style: chr20-34099214-T-G.
Other names: c.5192T>G, p.Leu1731Arg (NM_001318219.1); short protein forms L1731R, L2363R.
Identifiers: ClinVar variation 1479266 (VCV001479266.6), dbSNP rs2147239037, ClinGen allele CA408761690.